The following is an entry in ClinVar:

ClinVar aggregate classification (germline): Uncertain significance. Review status: criteria provided, multiple submitters, no conflicts (2 of 4 stars). 2 submissions from 2 submitters: Uncertain significance (2). Last evaluated 2025-11-09.

Conditions:
Familial adenomatous polyposis 1 (FAP1). Also called: FAMILIAL ADENOMATOUS POLYPOSIS 1, ATTENUATED; POLYPOSIS, ADENOMATOUS INTESTINAL. Identifiers: MedGen C2713442, MONDO:0021056, OMIM 175100. Disease mechanism: loss of function.
Hereditary cancer-predisposing syndrome. Also called: Hereditary Cancer Syndrome; Hereditary neoplastic syndrome; Tumor predisposition; Neoplastic Syndromes, Hereditary. Identifiers: Orphanet 140162, MedGen C0027672, MeSH D009386, MONDO:0015356.

Submissions (2):

Labcorp Genetics (formerly Invitae), Labcorp
Classification: Uncertain significance for Familial adenomatous polyposis 1. Last evaluated: 2025-11-09. Review status: criteria provided, single submitter. Criteria: Invitae Variant Classification Sherloc (09022015). Collection method: clinical testing. Allele origin: germline.
Comment: This sequence change replaces threonine, which is neutral and polar, with serine, which is neutral and polar, at codon 1556 of the APC protein (p.Thr1556Ser). This variant is not present in population databases (gnomAD no frequency). This variant has not been reported in the literature in individuals affected with APC-related conditions. ClinVar contains an entry for this variant (Variation ID: 844169). Invitae Evidence Modeling of protein sequence and biophysical properties (such as structural, functional, and spatial information, amino acid conservation, physicochemical variation, residue mobility, and thermodynamic stability) indicates that this missense variant is not expected to disrupt APC protein function with a negative predictive value of 95%. In summary, the available evidence is currently insufficient to determine the role of this variant in disease. Therefore, it has been classified as a Variant of Uncertain Significance.

Ambry Genetics
Classification: Uncertain significance for Hereditary cancer-predisposing syndrome. Last evaluated: 2021-04-22. Review status: criteria provided, single submitter. Criteria: Ambry Variant Classification Scheme 2023. Collection method: clinical testing. Allele origin: germline.
Comment: The p.T1556S variant (also known as c.4667C>G), located in coding exon 15 of the APC gene, results from a C to G substitution at nucleotide position 4667. The threonine at codon 1556 is replaced by serine, an amino acid with similar properties. This amino acid position is poorly conserved in available vertebrate species. In addition, in silico predictors for this gene do not accurately predict pathogenicity. Since supporting evidence is limited at this time, the clinical significance of this alteration remains unclear.

NM_000038.6(APC):c.4667C>G (p.Thr1556Ser)

Gene: APC (APC regulator of Wnt signaling pathway; plus strand). Cytogenetic location: 5q22.2.
Variant type: single nucleotide variant.
Coding change: c.4667C>G on transcript NM_000038.6 (MANE Select); coding-DNA position 4667, C replaced by G.
Protein change: p.Thr1556Ser; replaces threonine 1556 with serine.
Molecular consequence: missense variant.
Genome position (GRCh38, 1-based): chr5:112,840,261, C>G. VCF-style: chr5-112840261-C-G. GRCh37 (hg19) VCF-style: chr5-112175958-C-G.
Other names: c.4667C>G, p.Thr1556Ser (NM_001127510.3, NM_001354895.2); c.4613C>G, p.Thr1538Ser (NM_001127511.3); c.4721C>G, p.Thr1574Ser (NM_001354896.2); c.4697C>G, p.Thr1566Ser (NM_001354897.2); c.4592C>G, p.Thr1531Ser (NM_001354898.2); c.4583C>G, p.Thr1528Ser (NM_001354899.2); c.4544C>G, p.Thr1515Ser (NM_001354900.2); c.4490C>G, p.Thr1497Ser (NM_001354901.2); and 5 more; short protein forms T1497S, T1528S, T1273S, T1430S, T1455S, T1465S, T1531S, T1556S.
Identifiers: ClinVar variation 844169 (VCV000844169.13), dbSNP rs573468341, ClinGen allele CA16031564.